The following is an entry in ClinVar:

ClinVar aggregate classification (germline): Uncertain significance (1 of 4 stars; one submission).

Submission:

Labcorp Genetics (formerly Invitae), Labcorp
Classification: Uncertain significance. Last evaluated: 2023-11-06. Review status: criteria provided, single submitter. Criteria: Invitae Variant Classification Sherloc (09022015). Collection method: clinical testing. Allele origin: germline.
Comment: This sequence change falls in intron 56 of the ITPR1 gene. It does not directly change the encoded amino acid sequence of the ITPR1 protein. It affects a nucleotide within the consensus splice site. This variant is not present in population databases (gnomAD no frequency). This variant has not been reported in the literature in individuals affected with ITPR1-related conditions. Variants that disrupt the consensus splice site are a relatively common cause of aberrant splicing (PMID: 17576681, 9536098). Algorithms developed to predict the effect of sequence changes on RNA splicing suggest that this variant is not likely to affect RNA splicing. In summary, the available evidence is currently insufficient to determine the role of this variant in disease. Therefore, it has been classified as a Variant of Uncertain Significance.

Literature cited by the submitters: PubMed 17576681; PubMed 9536098.

NM_001378452.1(ITPR1):c.8028+6T>A

Gene: ITPR1 (inositol 1,4,5-trisphosphate receptor type 1; plus strand). Cytogenetic location: 3p26.1.
Variant type: single nucleotide variant.
Coding change: c.8028+6T>A on transcript NM_001378452.1 (MANE Select); 6 bases into the intron after coding-DNA position 8028, T replaced by A.
Molecular consequence: intron variant.
Genome position (GRCh38, 1-based): chr3:4,818,248, T>A. VCF-style: chr3-4818248-T-A. GRCh37 (hg19) VCF-style: chr3-4859932-T-A.
Other names: c.7884+6T>A (NM_001099952.4); c.7983+6T>A (NM_001168272.2); c.7839+6T>A (NM_002222.7).
Identifiers: ClinVar variation 2762811 (VCV002762811.3), dbSNP rs2470193967, ClinGen allele CA2697550643.